The following is an entry in ClinVar:

NM_001080414.4(CCDC88C):c.5381C>G (p.Pro1794Arg)

Gene: CCDC88C (coiled-coil and HOOK domain protein 88C; minus strand). Cytogenetic location: 14q32.11.
Variant type: single nucleotide variant.
Coding change: c.5381C>G on transcript NM_001080414.4 (MANE Select); coding-DNA position 5381, C replaced by G.
Protein change: p.Pro1794Arg; replaces proline 1794 with arginine.
Molecular consequence: missense variant.
Genome position (GRCh38, 1-based): chr14:91,273,331, G>C on the plus strand (C>G on the coding strand, the complement: CCDC88C is on the minus strand). VCF-style: chr14-91273331-G-C. GRCh37 (hg19) VCF-style: chr14-91739675-G-C.
Other names: short protein forms P1794R.
Identifiers: ClinVar variation 722879 (VCV000722879.34), dbSNP rs200077683, ClinGen allele CA7308661.

ClinVar aggregate classification (germline): Benign/Likely benign. Review status: criteria provided, multiple submitters, no conflicts (2 of 4 stars). 5 submissions from 5 submitters: Benign (2); Likely benign (2). 1 of the submissions does not count toward it. Last evaluated 2026-02-02.

Conditions:
CCDC88C-related disorder. Also called: CCDC88C-related condition; CCDC88C-Related Disorders.

Allele frequency attached by ClinVar (database versions not stated): gnomAD 0.00055 and 0.00068; TOPMed 0.00101; gnomAD exomes 0.00131; 1000 Genomes Project 0.00160; 1000 Genomes Project 30x 0.00172; ExAC 0.00421; ESP Exome Variant Server 0.00008.
gnomAD v4.1: 843 of 1,550,474 alleles (0.054%); highest among the groups gnomAD compares: South Asian, 0.59%; 2 homozygotes.

Submissions (5):

Labcorp Genetics (formerly Invitae), Labcorp
Classification: Benign. Last evaluated: 2026-02-02. Review status: criteria provided, single submitter. Criteria: Invitae Variant Classification Sherloc (09022015). Collection method: clinical testing. Allele origin: germline.

Blueprint Genetics
Classification: Likely benign. Last evaluated: 2024-11-18. Review status: criteria provided, single submitter. Criteria: ACMG Guidelines, 2015. Collection method: clinical testing. Allele origin: germline.

CeGaT Center for Human Genetics Tuebingen
Classification: Likely benign. Last evaluated: 2024-01-01. Review status: criteria provided, single submitter. Criteria: CeGaT Center For Human Genetics Tuebingen Variant Classification Criteria Version 2. Collection method: clinical testing. Allele origin: germline. Affected: yes. Observed: 1 variant allele.
Comment: CCDC88C: BP4, BS2

Breakthrough Genomics
Classification: Benign. Review status: criteria provided, single submitter. Criteria: ACMG Guidelines, 2015. Collection method: not provided. Allele origin: germline. Inheritance: Autosomal recessive inheritance. Affected: yes.

PreventionGenetics, part of Exact Sciences
Classification: Benign for CCDC88C-related condition. Last evaluated: 2024-06-20. Review status: no assertion criteria provided. Collection method: clinical testing. Allele origin: germline. Not counted in ClinVar's aggregate classification.
Comment: This variant is classified as benign based on ACMG/AMP sequence variant interpretation guidelines (Richards et al. 2015 PMID: 25741868, with internal and published modifications).